The following is an entry in ClinVar:

NM_130849.4(SLC39A4):c.1193_1199dup (p.Trp401fs)

Gene: SLC39A4 (solute carrier family 39 member 4; minus strand). Cytogenetic location: 8q24.3.
Variant type: Microsatellite.
Coding change: c.1193_1199dup on transcript NM_130849.4 (MANE Select); coding-DNA positions 1193 to 1199, 7 bases duplicated (AGCCCAC; older notation c.1193_1199dupAGCCCAC).
Protein change: p.Trp401fs; shifts the reading frame from tryptophan 401.
Molecular consequence: frameshift variant.
Genome position (GRCh38, 1-based): chr8:144,414,046-144,414,052, GTGGGCT duplicated on the plus strand (AGCCCAC on the coding strand, the reverse complement: SLC39A4 is on the minus strand); duplicating any 7 consecutive bases within chr8:144,414,046-144,414,060 gives the same sequence; the c. name uses the placement nearest the transcript's 3' end. VCF-style (leftmost placement, unchanged base first): chr8-144414045-G-GGTGGGCT. GRCh37 (hg19) VCF-style: chr8-145639429-G-GGTGGGCT.
Other names: c.1193_1199dup (NM_130849.3); c.911_917dup, p.Trp307fs (NM_001374839.1); c.1118_1124dup, p.Trp376fs (NM_017767.3); short protein forms W307fs, W376fs, W401fs.
Identifiers: ClinVar variation 1075104 (VCV001075104.7), dbSNP rs1285049551, ClinGen allele CA463556153.

ClinVar aggregate classification (germline): Pathogenic/Likely pathogenic. Review status: criteria provided, multiple submitters, no conflicts (2 of 4 stars). 3 submissions from 3 submitters: Pathogenic (1); Likely pathogenic (2). Last evaluated 2024-06-27.

Conditions:
Hereditary acrodermatitis enteropathica (AEZ). Also called: Acrodermatitis enteropathica. Identifiers: Orphanet 37, MedGen C0221036, MONDO:0008713, OMIM 201100.

Submissions (3):

Natera, Inc.
Classification: Likely pathogenic for Acrodermatitis enteropathica. Last evaluated: 2024-06-27. Review status: criteria provided, single submitter. Criteria: Natera Variant Classification Schema (03/2026). Collection method: clinical testing. Allele origin: germline.
Comment: The c.1193_1199dup variant in SLC39A4 is a frameshift variant predicted to shift the reading frame beginning at codon 401 and leads to a stop codon 19 codons downstream. This variant is expected to result in nonsense mediated decay, truncation, or a dysfunctional protein product. This variant is rare in the general population with a frequency below the threshold expected for the associated phenotype(s). Given the available evidence, this variant is classified as Likely Pathogenic.

Fulgent Genetics
Classification: Likely pathogenic for Hereditary acrodermatitis enteropathica. Last evaluated: 2024-02-07. Review status: criteria provided, single submitter. Criteria: ACMG Guidelines, 2015. Collection method: clinical testing. Allele origin: germline.

Labcorp Genetics (formerly Invitae), Labcorp
Classification: Pathogenic. Last evaluated: 2022-08-28. Review status: criteria provided, single submitter. Criteria: Invitae Variant Classification Sherloc (09022015). Collection method: clinical testing. Allele origin: germline.
Comment: For these reasons, this variant has been classified as Pathogenic. This variant has not been reported in the literature in individuals affected with SLC39A4-related conditions. This variant is present in population databases (no rsID available, gnomAD 0.001%). This sequence change creates a premature translational stop signal (p.Trp401Alafs*19) in the SLC39A4 gene. It is expected to result in an absent or disrupted protein product. Loss-of-function variants in SLC39A4 are known to be pathogenic (PMID: 12955721).

Literature cited by the submitters: PubMed 12955721 (cited by Labcorp Genetics (formerly Invitae), Labcorp).